The following is an entry in ClinVar:

NM_001134363.3(RBM20):c.897_898delinsTT (p.Glu299_Gln300delinsAspTer)

Gene: RBM20 (RNA binding motif protein 20; plus strand). Cytogenetic location: 10q25.2.
Variant type: Indel.
Coding change: c.897_898delinsTT on transcript NM_001134363.3 (MANE Select); coding-DNA positions 897 to 898, GC replaced by TT.
Protein change: p.Glu299_Gln300delinsAspTer.
Molecular consequence: nonsense.
Genome position (GRCh38, 1-based): chr10:110,781,506-110,781,507, GC replaced by TT. VCF-style: chr10-110781506-GC-TT. GRCh37 (hg19) VCF-style: chr10-112541264-GC-TT.
Identifiers: ClinVar variation 4721383 (VCV004721383.1).

ClinVar aggregate classification (germline): Pathogenic (1 of 4 stars; one submission).

Conditions:
Dilated cardiomyopathy 1DD (CMD1DD). Identifiers: Orphanet 154, MedGen C2750995, MONDO:0013168, OMIM 613172.

Submission:

Labcorp Genetics (formerly Invitae), Labcorp
Classification: Pathogenic for Dilated cardiomyopathy 1DD. Last evaluated: 2025-11-21. Review status: criteria provided, single submitter. Criteria: Invitae Variant Classification Sherloc (09022015). Collection method: clinical testing. Allele origin: germline.
Comment: This sequence change creates a premature translational stop signal (p.Glu299delinsAsp*) in the RBM20 gene. It is expected to result in an absent or disrupted protein product. Loss-of-function variants in RBM20 are known to be pathogenic (PMID: 20590677, 22004663, 38288598, 38510713, 40339755). Information on the frequency of this variant in the gnomAD database is not available, as this variant may be reported differently in the database. This variant has not been reported in the literature in individuals affected with RBM20-related conditions. For these reasons, this variant has been classified as Pathogenic.

Literature cited by the submitters: PubMed 20590677; PubMed 22004663; PubMed 38288598; PubMed 38510713; PubMed 40339755.